The following is an entry in ClinVar:

ClinVar aggregate classification (germline): Conflicting classifications of pathogenicity. Review status: criteria provided, conflicting classifications (1 of 4 stars). 6 submissions from 6 submitters: Pathogenic (2); Likely pathogenic (3); Uncertain significance (1). Last evaluated 2025-12-04.

Conditions:
ABCA4-related disorder. Also called: ABCA4-related condition; ABCA4-related disorders. Identifiers: MedGen CN239167.
Retinal dystrophy. Also called: Inherited retinal dystrophy. Identifiers: Orphanet 71862, MedGen C0854723, MeSH D058499, MONDO:0019118, HP:0000556.

Submissions (6):

GeneDx
Classification: Likely pathogenic. Last evaluated: 2025-12-04. Review status: criteria provided, single submitter. Criteria: GeneDx Variant Classification Process June 2021. Collection method: clinical testing. Allele origin: germline. Affected: yes.
Comment: Not observed in large population cohorts (gnomAD); In silico analysis supports that this missense variant has a deleterious effect on protein structure/function; This variant is associated with the following publications: (PMID: 25312043, 29555955, 35120629, 32307445, 37734845)

Labcorp Genetics (formerly Invitae), Labcorp
Classification: Pathogenic. Last evaluated: 2025-10-23. Review status: criteria provided, single submitter. Criteria: Invitae Variant Classification Sherloc (09022015). Collection method: clinical testing. Allele origin: germline.
Comment: This sequence change replaces serine, which is neutral and polar, with asparagine, which is neutral and polar, at codon 2072 of the ABCA4 protein (p.Ser2072Asn). This variant is not present in population databases (gnomAD no frequency). This missense change has been observed in individuals with Stargardt and other retinal diseases (PMID: 25312043, 29555955; internal data). ClinVar contains an entry for this variant (Variation ID: 498228). Invitae Evidence Modeling of protein sequence and biophysical properties (such as structural, functional, and spatial information, amino acid conservation, physicochemical variation, residue mobility, and thermodynamic stability) indicates that this missense variant is expected to disrupt ABCA4 protein function with a positive predictive value of 95%. For these reasons, this variant has been classified as Pathogenic.

Blueprint Genetics
Classification: Pathogenic for ABCA4-related disorders. Last evaluated: 2023-11-11. Review status: criteria provided, single submitter. Criteria: ACMG Guidelines, 2015. Collection method: clinical testing. Allele origin: germline. Affected: yes. Observed: 4 variant alleles.

Institute of Human Genetics, Univ. Regensburg, Univ. Regensburg
Classification: Likely pathogenic for Retinal dystrophy. Last evaluated: 2022-01-01. Review status: criteria provided, single submitter. Criteria: ACMG Guidelines, 2015. Collection method: clinical testing. Allele origin: germline. Affected: yes.

Institute of Medical Genetics and Applied Genomics, University Hospital Tübingen
Classification: Likely pathogenic. Last evaluated: 2020-10-23. Review status: criteria provided, single submitter. Criteria: ACMG Guidelines, 2015. Collection method: clinical testing. Allele origin: germline. Inheritance: Autosomal recessive inheritance. Affected: yes.

Eurofins Ntd Llc (ga)
Classification: Uncertain significance. Last evaluated: 2016-11-08. Review status: criteria provided, single submitter. Criteria: EGL Classification Definitions 2015. Collection method: clinical testing. Allele origin: germline. Observed: 2 variant alleles, 2 heterozygotes.

Literature cited by the submitters: PubMed 25312043 (cited by Labcorp Genetics (formerly Invitae), Labcorp and Institute of Human Genetics, Univ. Regensburg, Univ. Regensburg); PubMed 29555955 (cited by Labcorp Genetics (formerly Invitae), Labcorp and Institute of Human Genetics, Univ. Regensburg, Univ. Regensburg); PubMed 32307445 (cited by Institute of Human Genetics, Univ. Regensburg, Univ. Regensburg).

NM_000350.3(ABCA4):c.6215G>A (p.Ser2072Asn)

Gene: ABCA4 (ATP binding cassette subfamily A member 4; minus strand). Cytogenetic location: 1p22.1.
Variant type: single nucleotide variant.
Coding change: c.6215G>A on transcript NM_000350.3 (MANE Select); coding-DNA position 6215, G replaced by A.
Protein change: p.Ser2072Asn; replaces serine 2072 with asparagine.
Molecular consequence: missense variant.
Genome position (GRCh38, 1-based): chr1:94,001,925, C>T on the plus strand (G>A on the coding strand, the complement: ABCA4 is on the minus strand). VCF-style: chr1-94001925-C-T. GRCh37 (hg19) VCF-style: chr1-94467481-C-T.
Other names: c.5993G>A, p.Ser1998Asn (NM_001425324.1); short protein forms S2072N, S1998N.
Identifiers: ClinVar variation 498228 (VCV000498228.21), dbSNP rs1553186514, ClinGen allele CA341278263.